The following is an entry in ClinVar:

ClinVar aggregate classification (germline): Uncertain significance. Review status: criteria provided, multiple submitters, no conflicts (2 of 4 stars). 2 submissions from 2 submitters: Uncertain significance (2). Last evaluated 2022-05-13.

Allele frequency attached by ClinVar (database versions not stated): gnomAD 0.00001; gnomAD exomes 0.00001; ExAC 0.00002; 1000 Genomes Project 30x 0.00016.
gnomAD v4.1: 4 of 1,613,344 alleles (0.00025%); highest among the groups gnomAD compares: South Asian, 0.0044%; no homozygotes.

Submissions (2):

Labcorp Genetics (formerly Invitae), Labcorp
Classification: Uncertain significance. Last evaluated: 2022-05-13. Review status: criteria provided, single submitter. Criteria: Invitae Variant Classification Sherloc (09022015). Collection method: clinical testing. Allele origin: germline.
Comment: In summary, the available evidence is currently insufficient to determine the role of this variant in disease. Therefore, it has been classified as a Variant of Uncertain Significance. Algorithms developed to predict the effect of missense changes on protein structure and function are either unavailable or do not agree on the potential impact of this missense change (SIFT: "Deleterious"; PolyPhen-2: "Probably Damaging"; Align-GVGD: "Class C0"). This variant has not been reported in the literature in individuals affected with CAPN5-related conditions. This variant is present in population databases (rs781825630, gnomAD 0.01%). This sequence change replaces glycine, which is neutral and non-polar, with aspartic acid, which is acidic and polar, at codon 265 of the CAPN5 protein (p.Gly265Asp).

Blueprint Genetics
Classification: Uncertain significance. Last evaluated: 2020-04-01. Review status: criteria provided, single submitter. Criteria: ACMG Guidelines, 2015. Collection method: clinical testing. Allele origin: germline.

NM_004055.5(CAPN5):c.794G>A (p.Gly265Asp)

Gene: CAPN5 (calpain 5; plus strand). Cytogenetic location: 11q13.5.
Variant type: single nucleotide variant.
Coding change: c.794G>A on transcript NM_004055.5 (MANE Select); coding-DNA position 794, G replaced by A.
Protein change: p.Gly265Asp; replaces glycine 265 with aspartic acid.
Molecular consequence: missense variant.
Genome position (GRCh38, 1-based): chr11:77,115,489, G>A. VCF-style: chr11-77115489-G-A. GRCh37 (hg19) VCF-style: chr11-76826535-G-A.
Other names: short protein forms G265D.
Identifiers: ClinVar variation 1994006 (VCV001994006.5), dbSNP rs781825630, ClinGen allele CA6196560.